The following is an entry in ClinVar:

ClinVar aggregate classification (germline): Uncertain significance. Review status: criteria provided, multiple submitters, no conflicts (2 of 4 stars). 2 submissions from 2 submitters: Uncertain significance (2). Last evaluated 2025-04-25.

Conditions:
Hereditary cancer-predisposing syndrome. Also called: Neoplastic Syndromes, Hereditary; Tumor predisposition; Hereditary Cancer Syndrome; Hereditary neoplastic syndrome. Identifiers: Orphanet 140162, MedGen C0027672, MeSH D009386, MONDO:0015356.
Cardiovascular phenotype. Identifiers: MedGen CN230736.

Allele frequency attached by ClinVar (database versions not stated): gnomAD 0.00001; TOPMed 0.00001.
gnomAD v4.1: 2 of 1,613,288 alleles (0.00012%); highest among the groups gnomAD compares: African/African-American, 0.0027%; no homozygotes.

Submissions (2):

Ambry Genetics
Classification: Uncertain significance for Cardiovascular phenotype; Hereditary cancer-predisposing syndrome. Last evaluated: 2025-04-25. Review status: criteria provided, single submitter. Criteria: Ambry Variant Classification Scheme 2023. Collection method: clinical testing. Allele origin: germline.
Comment: The p.F608C variant (also known as c.1823T>G), located in coding exon 16 of the LZTR1 gene, results from a T to G substitution at nucleotide position 1823. The phenylalanine at codon 608 is replaced by cysteine, an amino acid with highly dissimilar properties. This amino acid position is highly conserved in available vertebrate species. In addition, this alteration is predicted to be deleterious by in silico analysis. Based on the available evidence, the clinical significance of this variant remains unclear.

Labcorp Genetics (formerly Invitae), Labcorp
Classification: Uncertain significance. Last evaluated: 2025-01-31. Review status: criteria provided, single submitter. Criteria: Invitae Variant Classification Sherloc (09022015). Collection method: clinical testing. Allele origin: germline.
Comment: This sequence change replaces phenylalanine, which is neutral and non-polar, with cysteine, which is neutral and slightly polar, at codon 608 of the LZTR1 protein (p.Phe608Cys). This variant is not present in population databases (gnomAD no frequency). This variant has not been reported in the literature in individuals affected with LZTR1-related conditions. ClinVar contains an entry for this variant (Variation ID: 1780805). Invitae Evidence Modeling of protein sequence and biophysical properties (such as structural, functional, and spatial information, amino acid conservation, physicochemical variation, residue mobility, and thermodynamic stability) indicates that this missense variant is not expected to disrupt LZTR1 protein function with a negative predictive value of 80%. In summary, the available evidence is currently insufficient to determine the role of this variant in disease. Therefore, it has been classified as a Variant of Uncertain Significance.

NM_006767.4(LZTR1):c.1823T>G (p.Phe608Cys)

Gene: LZTR1 (leucine zipper like post translational regulator 1; plus strand). Cytogenetic location: 22q11.21.
Variant type: single nucleotide variant.
Coding change: c.1823T>G on transcript NM_006767.4 (MANE Select); coding-DNA position 1823, T replaced by G.
Protein change: p.Phe608Cys; replaces phenylalanine 608 with cysteine.
Molecular consequence: missense variant.
Genome position (GRCh38, 1-based): chr22:20,994,907, T>G. VCF-style: chr22-20994907-T-G. GRCh37 (hg19) VCF-style: chr22-21349196-T-G.
Other names: short protein forms F608C.
Identifiers: ClinVar variation 1780805 (VCV001780805.6), dbSNP rs1451642530, ClinGen allele CA410778530.
Genomic context (GRCh38, chr22:20,994,907, plus strand): 5'-CTGCCTGTGCCTGTCTGCCCCAGGAGCACTGCCTGAACTTCGTGGTAAAGGAGTCCCACT[T>G]CAACCAGGTGATCATGATGAAGGAGTTCGAGCGCCTCTCCTCTCCACTGATAGTGGAGAT-3'
Protein context (NP_006758.2, residues 598-618): CLNFVVKESH[Phe608Cys]NQVIMMKEFE